The following is an entry in ClinVar:

ClinVar aggregate classification (germline): Likely benign (0 of 4 stars; one submission).

Conditions:
PLXNA2-related disorder. Also called: PLXNA2-related condition.

gnomAD v4.1: 16 of 1,614,260 alleles (0.00099%); highest among the groups gnomAD compares: African/African-American, 0.0027%; no homozygotes.

Submission:

PreventionGenetics, part of Exact Sciences
Classification: Likely benign for PLXNA2-related condition. Last evaluated: 2024-03-04. Review status: no assertion criteria provided. Collection method: clinical testing. Allele origin: germline.
Comment: This variant is classified as likely benign based on ACMG/AMP sequence variant interpretation guidelines (Richards et al. 2015 PMID: 25741868, with internal and published modifications).

NM_025179.4(PLXNA2):c.2277C>T (p.Ser759=)

Gene: PLXNA2 (plexin A2; minus strand). Cytogenetic location: 1q32.2.
Variant type: single nucleotide variant.
Coding change: c.2277C>T on transcript NM_025179.4 (MANE Select); coding-DNA position 2277, C replaced by T.
Protein change: p.Ser759=; no amino-acid change (serine 759 retained).
Molecular consequence: synonymous variant.
Genome position (GRCh38, 1-based): chr1:208,084,401, G>A on the plus strand (C>T on the coding strand, the complement: PLXNA2 is on the minus strand). VCF-style: chr1-208084401-G-A. GRCh37 (hg19) VCF-style: chr1-208257746-G-A.
Identifiers: ClinVar variation 3353850 (VCV003353850.1).